The following is an entry in ClinVar:

ClinVar aggregate classification (germline): Uncertain significance. Review status: criteria provided, multiple submitters, no conflicts (2 of 4 stars). 3 submissions from 3 submitters: Uncertain significance (3). Last evaluated 2025-05-16.

Conditions:
KBG syndrome (KBGS). Also called: ANKRD11-Related KBG Syndrome. Identifiers: Orphanet 2332, MedGen C0220687, MONDO:0007846, OMIM 148050.
Seizure. Also called: Seizures. Identifiers: MedGen C0036572, HP:0001250.

Submissions (3):

GeneDx
Classification: Uncertain significance. Last evaluated: 2025-05-16. Review status: criteria provided, single submitter. Criteria: GeneDx Variant Classification Process June 2021. Collection method: clinical testing. Allele origin: germline. Affected: yes.
Comment: In-frame duplication of 8 amino acid(s) in a non-repeat region; Has not been previously published as pathogenic or benign to our knowledge

Labcorp Genetics (formerly Invitae), Labcorp
Classification: Uncertain significance for KBG syndrome. Last evaluated: 2024-10-15. Review status: criteria provided, single submitter. Criteria: Invitae Variant Classification Sherloc (09022015). Collection method: clinical testing. Allele origin: germline.
Comment: This variant, c.4475_4498dup, results in the insertion of 8 amino acid(s) of the ANKRD11 protein (p.Leu1492_Glu1499dup), but otherwise preserves the integrity of the reading frame. This variant is present in population databases (rs762626265, gnomAD 0.008%). This variant has not been reported in the literature in individuals affected with ANKRD11-related conditions. ClinVar contains an entry for this variant (Variation ID: 373985). Experimental studies and prediction algorithms are not available or were not evaluated, and the functional significance of this variant is currently unknown. In summary, the available evidence is currently insufficient to determine the role of this variant in disease. Therefore, it has been classified as a Variant of Uncertain Significance.

Centre for Mendelian Genomics, University Medical Centre Ljubljana
Classification: Uncertain significance for Seizure. Last evaluated: 2015-10-22. Review status: criteria provided, single submitter. Criteria: ACMG Guidelines, 2015. Collection method: clinical testing. Allele origin: unknown. Affected: yes.

NM_013275.6(ANKRD11):c.4475_4498dup (p.1484_1491LLRHHRDE[3])

Gene: ANKRD11 (ankyrin repeat domain 11; minus strand). Cytogenetic location: 16q24.3.
Variant type: Duplication.
Coding change: c.4475_4498dup on transcript NM_013275.6 (MANE Select); coding-DNA positions 4475 to 4498, 24 bases duplicated (TCCTGCGGCATCACAGGGACGAGC).
Protein change: p.1484_1491LLRHHRDE[3].
Molecular consequence: inframe insertion.
Genome position (GRCh38, 1-based): chr16:89,282,044-89,282,067, GCTCGTCCCTGTGATGCCGCAGGA duplicated on the plus strand (TCCTGCGGCATCACAGGGACGAGC on the coding strand, the reverse complement: ANKRD11 is on the minus strand); duplicating any 24 consecutive bases within chr16:89,282,044-89,282,089 gives the same sequence; the c. name uses the placement nearest the transcript's 3' end. VCF-style (leftmost placement, unchanged base first): chr16-89282043-T-TGCTCGTCCCTGTGATGCCGCAGGA. GRCh37 (hg19) VCF-style: chr16-89348451-T-TGCTCGTCCCTGTGATGCCGCAGGA.
Other names: c.4475_4498dup (NM_013275.5); c.4475_4498dup, p.1484_1491LLRHHRDE[3] (NM_001256182.2, NM_001256183.2); c.4475_4498dupTCCTGCGGCATCACAGGGACGAGC (NM_001256182.1).
Identifiers: ClinVar variation 373985 (VCV000373985.8), dbSNP rs534329317, ClinGen allele CA8242096.
Genomic context (GRCh38, chr16:89,282,043, plus strand): 5'-TCCCTGGACTTGTCTTTGAGCACGCGGGGCGGGCTGTCCTTGTCCCTGGTGGCGGGCTTC[T>TGCTCGTCCCTGTGATGCCGCAGGA]GCTCGTCCCTGTGATGCCGCAGGAGCTCGTCCCTGTGATGCCGCAGCAGCCCATCCGCAT-3'